The following is an entry in ClinVar:

NM_001399.5(EDA):c.396+1G>A

Gene: EDA (ectodysplasin A; plus strand). Cytogenetic location: Xq13.1.
Variant type: single nucleotide variant.
Coding change: c.396+1G>A on transcript NM_001399.5 (MANE Select); the canonical splice donor site of the intron after coding-DNA position 396, G replaced by A.
Molecular consequence: splice donor variant. On other transcripts: missense variant (1).
Genome position (GRCh38, 1-based): chrX:69,616,705, G>A. VCF-style: chrX-69616705-G-A. GRCh37 (hg19) VCF-style: chrX-68836549-G-A.
Other names: c.397G>A, p.Gly133Arg (NM_001005615.1); c.396+1G>A (NM_001005609.2, NM_001005612.3, NM_001005613.4 and 1 more transcripts); short protein forms G133R.
Identifiers: ClinVar variation 178916 (VCV000178916.4), dbSNP rs727504537, ClinGen allele CA273568.

ClinVar aggregate classification (germline): Pathogenic (1 of 4 stars; one submission).

Conditions:
Hypohidrotic X-linked ectodermal dysplasia (XHED). Also called: ECTODERMAL DYSPLASIA, HYPOHIDROTIC, 1; CST SYNDROME; ECTODERMAL DYSPLASIA 1; Ectodermal Dysplasia 1, Anhidrotic; Anhidrotic ectodermal dysplasia X-linked; Christ Siemens Touraine syndrome. Identifiers: Orphanet 181, Orphanet 238468, MedGen C0162359, MONDO:0010585, OMIM 305100.

Submission:

Laboratory for Molecular Medicine, Mass General Brigham Personalized Medicine
Classification: Pathogenic for Hypohidrotic X-linked ectodermal dysplasia. Last evaluated: 2013-04-11. Review status: criteria provided, single submitter. Criteria: LMM Criteria. Collection method: clinical testing. Allele origin: germline. Observed: 1 variant allele.
Comment: The 396+1G>A variant in EDA has not been reported in the literature nor previous ly identified by our laboratory. This variant occurs in the invariant region (+ /- 1,2) of the splice consensus sequence and is predicted to cause altered splic ing leading to an abnormal or absent protein. In summary, this variant meets our criteria to be classified as pathogenic